The following is an entry in ClinVar:

ClinVar aggregate classification (germline): Likely pathogenic (1 of 4 stars; one submission).

Conditions:
Immunodeficiency 35 (IMD35). Also called: TYK2 DEFICIENCY; HIES WITH ATYPICAL MYCOBACTERIOSIS, AUTOSOMAL RECESSIVE; HYPER-IgE SYNDROME WITH ATYPICAL MYCOBACTERIOSIS, AUTOSOMAL RECESSIVE; Susceptibility to infection due to TYK2 deficiency. Identifiers: Orphanet 331226, MedGen C1969086, MONDO:0012682, OMIM 611521.

Submission:

Diagnostics Services (NGS), CSIR - Centre For Cellular And Molecular Biology
Classification: Likely pathogenic for Immunodeficiency 35. Last evaluated: 2024-12-16. Review status: criteria provided, single submitter. Criteria: ACMG Guidelines, 2015. Collection method: clinical testing. Allele origin: unknown. Affected: no. Observed: 2 variant alleles, 2 heterozygotes.
Comment: The c.1001_1011+4del variant is not present in 1000 Genomes, EVS and our internal database. The variant is present in gnomAD and Indian Exome Database at low frequencies. This variant has neither been reported in the literature in individuals affected with TYK2-related conditions nor reported to the ClinVar, OMIM, or HGMD databases, in any affected individuals. This variant causes splice junction loss and in-silico pathogenicity prediction programs like HSF3.1, MutationTaster2, CADD, Varsome, Franklin, etc. predicted this variant to be likely deleterious by affecting splicing however these predictions were not confirmed by published functional/translational studies. This variant was identified in a couple as a part of carrier screening.

NM_003331.5(TYK2):c.1001_1011+4del

Gene: TYK2 (tyrosine kinase 2; minus strand). Cytogenetic location: 19p13.2.
Variant type: Deletion.
Coding change: c.1001_1011+4del on transcript NM_003331.5 (MANE Select); coding-DNA position 1001 through 4 bases into the intron after coding-DNA position 1011, 15 bases deleted (ACAAGGAGGAGGTGA).
Molecular consequence: splice donor variant.
Genome position (GRCh38, 1-based): chr19:10,365,513-10,365,527, TCACCTCCTCCTTGT deleted on the plus strand (ACAAGGAGGAGGTGA on the coding strand, the reverse complement: TYK2 is on the minus strand); deleting any 15 consecutive bases within chr19:10,365,513-10,365,539 gives the same sequence; the c. name uses the placement nearest the transcript's 3' end. VCF-style (leftmost placement, unchanged base first): chr19-10365512-CTCACCTCCTCCTTGT-C. GRCh37 (hg19) VCF-style: chr19-10476188-CTCACCTCCTCCTTGT-C.
Other names: c.1001_1011+4del (NM_001385199.1, NM_001406461.1, NM_001385201.1 and 8 more transcripts); c.911_921+4del (NM_001385205.1).
Identifiers: ClinVar variation 3767985 (VCV003767985.1).
Genomic context (GRCh38, chr19:10,365,512, plus strand): 5'-GATGAACACAGAAACCCACCCCAGCCCAACCTGAACCCCCAGGGCGGAAGGGGCGCCTTG[CTCACCTCCTCCTTGT>C]TCACCTCCTCCTCTACTGGCCACCACTGGATGCCACCAGTGCCTGTCACCAGCACCTCGT-3'